The following is an entry in ClinVar:

ClinVar aggregate classification (germline): Uncertain significance (1 of 4 stars; one submission).

Conditions:
Long QT syndrome (LQTS). Identifiers: MedGen C0023976, MeSH D008133, MONDO:0002442. Disease mechanism: loss of function. Inheritance: Various modes of inheritance.

Allele frequency attached by ClinVar (database versions not stated): TOPMed below 0.00001.

Submission:

Labcorp Genetics (formerly Invitae), Labcorp
Classification: Uncertain significance for Long QT syndrome. Last evaluated: 2021-01-07. Review status: criteria provided, single submitter. Criteria: Invitae Variant Classification Sherloc (09022015). Collection method: clinical testing. Allele origin: germline.
Comment: In summary, the available evidence is currently insufficient to determine the role of this variant in disease. Therefore, it has been classified as a Variant of Uncertain Significance. Algorithms developed to predict the effect of missense changes on protein structure and function output the following: SIFT: "Deleterious"; PolyPhen-2: "Benign"; Align-GVGD: "Class C0". The arginine amino acid residue is found in multiple mammalian species, suggesting that this missense change does not adversely affect protein function. These predictions have not been confirmed by published functional studies and their clinical significance is uncertain. This variant has not been reported in the literature in individuals with ANK2-related conditions. This variant is not present in population databases (ExAC no frequency). This sequence change replaces lysine with arginine at codon 2608 of the ANK2 protein (p.Lys2608Arg). The lysine residue is moderately conserved and there is a small physicochemical difference between lysine and arginine.

NM_001148.6(ANK2):c.7823A>G (p.Lys2608Arg)

Genes: ANK2 (ankyrin 2; plus strand), LOC126807137 (CDK7 strongly-dependent group 2 enhancer GRCh37_chr4:114276560-114277759; plus strand). Cytogenetic location: 4q26.
Variant type: single nucleotide variant.
Coding change: c.7823A>G on transcript NM_001148.6 (MANE Select); coding-DNA position 7823, A replaced by G.
Protein change: p.Lys2608Arg; replaces lysine 2608 with arginine.
Molecular consequence: missense variant. On other transcripts: intron variant (68).
Genome position (GRCh38, 1-based): chr4:113,356,441, A>G. VCF-style: chr4-113356441-A-G. GRCh37 (hg19) VCF-style: chr4-114277597-A-G.
Other names: c.7589A>G, p.Lys2530Arg (NM_001386142.1); c.4223A>G, p.Lys1408Arg (NM_001386166.1); c.7964A>G, p.Lys2655Arg (NM_001386174.1); c.7940A>G, p.Lys2647Arg (NM_001386175.1); c.4412-4382A>G (NM_001386186.2, NM_001386148.2); c.4214-4382A>G (NM_001354269.3); c.4292-4382A>G (NM_001386187.2); c.4253-4382A>G (NM_001386147.1); and 35 more; short protein forms K2530R, K2608R, K2647R, K1408R, K2655R.
Identifiers: ClinVar variation 1500745 (VCV001500745.8), dbSNP rs2095781039, ClinGen allele CA357932231.